The following is an entry in ClinVar:

NM_000142.5(FGFR3):c.599G>A (p.Arg200His)

Gene: FGFR3 (fibroblast growth factor receptor 3; plus strand). Cytogenetic location: 4p16.3.
Variant type: single nucleotide variant.
Coding change: c.599G>A on transcript NM_000142.5 (MANE Select); coding-DNA position 599, G replaced by A.
Protein change: p.Arg200His; replaces arginine 200 with histidine.
Molecular consequence: missense variant. On other transcripts: non-coding transcript variant (1).
Genome position (GRCh38, 1-based): chr4:1,801,520, G>A. VCF-style: chr4-1801520-G-A. GRCh37 (hg19) VCF-style: chr4-1803247-G-A.
Other names: c.599G>A, p.Arg200His (NM_001163213.2, NM_001354809.2, NM_001354810.2 and 1 more transcripts); short protein forms R200H.
Identifiers: ClinVar variation 2634818 (VCV002634818.2), dbSNP rs587778353, ClinGen allele CA355975323.

ClinVar aggregate classification (germline): Uncertain significance. Review status: criteria provided, multiple submitters, no conflicts (2 of 4 stars). 2 submissions from 2 submitters: Uncertain significance (2). Last evaluated 2026-03-21.

Conditions:
FGFR3-related disorder. Also called: FGFR3-related disorders.

Submissions (2):

GeneDx
Classification: Uncertain significance. Last evaluated: 2026-03-21. Review status: criteria provided, single submitter. Criteria: GeneDx Variant Classification Process June 2021. Collection method: clinical testing. Allele origin: germline.
Comment: Not observed at significant frequency in large population cohorts (gnomAD); In silico analysis supports that this missense variant has a deleterious effect on protein structure/function; Has not been previously published as pathogenic or benign to our knowledge

PreventionGenetics, part of Exact Sciences
Classification: Uncertain significance for FGFR3-related condition. Last evaluated: 2022-12-01. Review status: criteria provided, single submitter. Criteria: ACMG Guidelines, 2015. Collection method: clinical testing. Allele origin: germline.
Comment: The FGFR3 c.599G>A variant is predicted to result in the amino acid substitution p.Arg200His. To our knowledge, this variant has not been reported in the literature in individuals with FGFR3-related disorders or in a large population database, indicating this variant is rare. At this time, the clinical significance of this variant is uncertain due to the absence of conclusive functional and genetic evidence.